The following is an entry in ClinVar:

ClinVar aggregate classification (germline): Likely benign (0 of 4 stars; one submission).

Conditions:
EPPK1-related disorder. Also called: EPPK1-related condition.

Allele frequency attached by ClinVar (database versions not stated): ExAC 0.00078; gnomAD 0.00267; 1000 Genomes Project 0.00300; ESP Exome Variant Server 0.00303; TOPMed 0.00305; 1000 Genomes Project 30x 0.00312.
gnomAD v4.1: 886 of 1,600,074 alleles (0.055%); highest among the groups gnomAD compares: African/African-American, 0.92%; 6 homozygotes.

Submission:

PreventionGenetics, part of Exact Sciences
Classification: Likely benign for EPPK1-related condition. Last evaluated: 2021-05-03. Review status: no assertion criteria provided. Collection method: clinical testing. Allele origin: germline.
Comment: This variant is classified as likely benign based on ACMG/AMP sequence variant interpretation guidelines (Richards et al. 2015 PMID: 25741868, with internal and published modifications).

NM_031308.4(EPPK1):c.820C>T (p.Arg274Cys)

Gene: EPPK1 (epiplakin 1; minus strand). Cytogenetic location: 8q24.3.
Variant type: single nucleotide variant.
Coding change: c.820C>T on transcript NM_031308.4 (MANE Select); coding-DNA position 820, C replaced by T.
Protein change: p.Arg274Cys; replaces arginine 274 with cysteine.
Molecular consequence: missense variant.
Genome position (GRCh38, 1-based): chr8:143,872,434, G>A on the plus strand (C>T on the coding strand, the complement: EPPK1 is on the minus strand). VCF-style: chr8-143872434-G-A. GRCh37 (hg19) VCF-style: chr8-144946602-G-A.
Other names: short protein forms R274C.
Identifiers: ClinVar variation 3040405 (VCV003040405.2), dbSNP rs147805507, ClinGen allele CA4923527.